The following is an entry in ClinVar:

ClinVar aggregate classification (germline): Uncertain significance (1 of 4 stars; one submission).

Conditions:
Inborn genetic diseases. Identifiers: MedGen C0950123, MeSH D030342.

gnomAD v4.1: 1 of 1,612,436 alleles (0.000062%); highest among the groups gnomAD compares: African/African-American, 0.0013%; no homozygotes.

Submission:

Ambry Genetics
Classification: Uncertain significance for Inborn genetic diseases. Last evaluated: 2025-10-14. Review status: criteria provided, single submitter. Criteria: Ambry Variant Classification Scheme 2023. Collection method: clinical testing. Allele origin: germline.
Comment: The p.S855N variant (also known as c.2564G>A), located in coding exon 27 of the RTEL1 gene, results from a G to A substitution at nucleotide position 2564. The serine at codon 855 is replaced by asparagine, an amino acid with highly similar properties. This amino acid position is conserved. In addition, this alteration is predicted to be tolerated by in silico analysis. Based on the available evidence, the clinical significance of this variant remains unclear.

NM_001283009.2(RTEL1):c.2564G>A (p.Ser855Asn)

Genes: RTEL1 (regulator of telomere elongation helicase 1; plus strand), RTEL1-TNFRSF6B (RTEL1-TNFRSF6B readthrough (NMD candidate); plus strand). Cytogenetic location: 20q13.33.
Variant type: single nucleotide variant.
Coding change: c.2564G>A on transcript NM_001283009.2 (MANE Select); coding-DNA position 2564, G replaced by A.
Protein change: p.Ser855Asn; replaces serine 855 with asparagine.
Molecular consequence: missense variant. On other transcripts: non-coding transcript variant (1).
Genome position (GRCh38, 1-based): chr20:63,691,749, G>A. VCF-style: chr20-63691749-G-A. GRCh37 (hg19) VCF-style: chr20-62323102-G-A.
Other names: c.1895G>A, p.Ser632Asn (NM_001283010.1); c.2564G>A, p.Ser855Asn (NM_016434.4); c.2636G>A, p.Ser879Asn (NM_032957.5); short protein forms S855N, S879N, S632N.
Identifiers: ClinVar variation 4629542 (VCV004629542.1).